The following is an entry in ClinVar:

ClinVar aggregate classification (germline): Benign. Review status: criteria provided, multiple submitters, no conflicts (2 of 4 stars). 2 submissions from 2 submitters: Benign (2). Last evaluated 2018-01-13.

Conditions:
Sick sinus syndrome 2, autosomal dominant (SSS2). Also called: ATRIAL FIBRILLATION WITH BRADYARRHYTHMIA; SINUS BRADYCARDIA SYNDROME, FAMILIAL, AUTOSOMAL DOMINANT; SINUS NODE DISEASE, FAMILIAL, AUTOSOMAL DOMINANT; SICK SINUS SYNDROME 2; SICK SINUS SYNDROME 2 WITH OR WITHOUT CARDIAC NONCOMPACTION AND/OR ASCENDING AORTA DILATION. Identifiers: Orphanet 166282, MedGen C1834144, MONDO:0008102, OMIM 163800.

Allele frequency attached by ClinVar (database versions not stated): 1000 Genomes Project 0.03275; 1000 Genomes Project 30x 0.03435; gnomAD 0.04870 and 0.04913; gnomAD exomes 0.04938; TOPMed 0.05242.
gnomAD v4.1: 7,475 of 152,370 alleles (4.9%); highest among the groups gnomAD compares: Admixed American, 8.7%; 254 homozygotes.

Submissions (2):

Illumina Laboratory Services, Illumina
Classification: Benign for Sick sinus syndrome 2, autosomal dominant. Last evaluated: 2018-01-13. Review status: criteria provided, single submitter. Criteria: ICSL Variant Classification Criteria 13 December 2019. Collection method: clinical testing. Allele origin: germline.
Comment: This variant was observed in the ICSL laboratory as part of a predisposition screen in an ostensibly healthy population. It had not been previously curated by ICSL or reported in the Human Gene Mutation Database (HGMD: prior to June 1st, 2018), and was therefore a candidate for classification through an automated scoring system. Utilizing variant allele frequency, disease prevalence and penetrance estimates, and inheritance mode, an automated score was calculated to assess if this variant is too frequent to cause the disease. Based on the score and internal cut-off values, a variant classified as benign is not then subjected to further curation. The score for this variant resulted in a classification of benign for this disease.

Breakthrough Genomics
Classification: Benign. Review status: criteria provided, single submitter. Criteria: ACMG Guidelines, 2015. Collection method: not provided. Allele origin: germline. Inheritance: Autosomal dominant inheritance. Affected: yes.

NM_005477.3(HCN4):c.*2393C>G

Gene: HCN4 (hyperpolarization activated cyclic nucleotide gated potassium channel 4; minus strand). Cytogenetic location: 15q24.1.
Variant type: single nucleotide variant.
Coding change: c.*2393C>G on transcript NM_005477.3 (MANE Select); 2393 bases downstream of the stop codon, C replaced by G.
Molecular consequence: 3 prime UTR variant.
Genome position (GRCh38, 1-based): chr15:73,320,088, G>C on the plus strand (C>G on the coding strand, the complement: HCN4 is on the minus strand). VCF-style: chr15-73320088-G-C. GRCh37 (hg19) VCF-style: chr15-73612429-G-C.
Identifiers: ClinVar variation 885567 (VCV000885567.5), dbSNP rs74933243, ClinGen allele CA272661548.